The following is an entry in ClinVar:

NM_007118.4(TRIO):c.5924A>T (p.Gln1975Leu)

Gene: TRIO (trio Rho guanine nucleotide exchange factor; plus strand). Cytogenetic location: 5p15.2.
Variant type: single nucleotide variant.
Coding change: c.5924A>T on transcript NM_007118.4 (MANE Select); coding-DNA position 5924, A replaced by T.
Protein change: p.Gln1975Leu; replaces glutamine 1975 with leucine.
Molecular consequence: missense variant. On other transcripts: non-coding transcript variant (1).
Genome position (GRCh38, 1-based): chr5:14,472,603, A>T. VCF-style: chr5-14472603-A-T. GRCh37 (hg19) VCF-style: chr5-14472712-A-T.
Other names: short protein forms Q1975L.
Identifiers: ClinVar variation 2576648 (VCV002576648.1), dbSNP rs2533572786, ClinGen allele CA359227579.

ClinVar aggregate classification (germline): Uncertain significance (1 of 4 stars; one submission).

Submission:

GeneDx
Classification: Uncertain significance. Last evaluated: 2023-02-16. Review status: criteria provided, single submitter. Criteria: GeneDx Variant Classification Process June 2021. Collection method: clinical testing. Allele origin: germline. Affected: yes.
Comment: Not observed at significant frequency in large population cohorts (gnomAD); In silico analysis supports that this missense variant has a deleterious effect on protein structure/function; Has not been previously published as pathogenic or benign to our knowledge